The following is an entry in ClinVar:

ClinVar aggregate classification (germline): Likely benign. Review status: criteria provided, multiple submitters, no conflicts (2 of 4 stars). 3 submissions from 3 submitters: Likely benign (3). Last evaluated 2025-01-19.

Conditions:
Loeys-Dietz syndrome 2 (LDS2). Also called: TGFBR2-Related Loeys-Dietz Syndrome; AORTIC ANEURYSM, FAMILIAL THORACIC 3; MARFAN SYNDROME, TYPE II; Marfan Syndrome type 2; Marfan like connective tissue disorder; MFS 2. Identifiers: Orphanet 284973, Orphanet 558, MedGen C2674574, MONDO:0012427, OMIM 610168.
Familial thoracic aortic aneurysm and aortic dissection (TAAD). Also called: Thoracic aortic aneurysms and dissections. Identifiers: Orphanet 91387, MedGen C4707243, MONDO:0019625.

Allele frequency attached by ClinVar (database versions not stated): gnomAD exomes below 0.00001 and 0.00001; TOPMed below 0.00001; gnomAD 0.00001.
gnomAD v4.1: 15 of 1,613,898 alleles (0.00093%); highest among the groups gnomAD compares: Non-Finnish European, 0.0013%; no homozygotes.

Submissions (3):

Labcorp Genetics (formerly Invitae), Labcorp
Classification: Likely benign for Familial thoracic aortic aneurysm and aortic dissection. Last evaluated: 2025-01-19. Review status: criteria provided, single submitter. Criteria: Invitae Variant Classification Sherloc (09022015). Collection method: clinical testing. Allele origin: germline.

All of Us Research Program, National Institutes of Health
Classification: Likely benign for Loeys-Dietz syndrome 2. Last evaluated: 2024-09-23. Review status: criteria provided, single submitter. Criteria: ACMG Guidelines, 2015. Collection method: clinical testing. Allele origin: germline. Inheritance: Autosomal dominant inheritance. Observed: 1 variant allele, 1 heterozygote.
Comment: This study involves interpretation of variants in research participants for the purpose of population health screening. Participant phenotype was not available at the time of variant classification. Additional details can be found in publication PMID: 35346344, PMCID: PMC8962531

Color Diagnostics, LLC DBA Color Health
Classification: Likely benign for Familial thoracic aortic aneurysm and aortic dissection. Last evaluated: 2019-11-12. Review status: criteria provided, single submitter. Criteria: ACMG Guidelines, 2015. Collection method: clinical testing. Allele origin: germline.

NM_003242.6(TGFBR2):c.1539G>A (p.Val513=)

Gene: TGFBR2 (transforming growth factor beta receptor 2; plus strand). Cytogenetic location: 3p24.1.
Variant type: single nucleotide variant.
Coding change: c.1539G>A on transcript NM_003242.6 (MANE Select); coding-DNA position 1539, G replaced by A.
Protein change: p.Val513=; no amino-acid change (valine 513 retained).
Molecular consequence: synonymous variant.
Genome position (GRCh38, 1-based): chr3:30,691,434, G>A. VCF-style: chr3-30691434-G-A. GRCh37 (hg19) VCF-style: chr3-30732926-G-A.
Other names: c.1614G>A, p.Val538= (NM_001024847.3); c.1722G>A, p.Val574= (NM_001407126.1); c.1647G>A, p.Val549= (NM_001407127.1); c.1566G>A, p.Val522= (NM_001407128.1); c.1542G>A, p.Val514= (NM_001407129.1); c.1536G>A, p.Val512= (NM_001407130.1); c.1434G>A, p.Val478= (NM_001407132.1, NM_001407133.1, NM_001407134.1 and 2 more transcripts); c.1254G>A, p.Val418= (NM_001407137.1); and 2 more.
Identifiers: ClinVar variation 924544 (VCV000924544.12), dbSNP rs1369389276, ClinGen allele CA432917966.